The following is an entry in ClinVar:

ClinVar aggregate classification (germline): Uncertain significance (0 of 4 stars; one submission).

Allele frequency attached by ClinVar (database versions not stated): gnomAD exomes below 0.00001.
gnomAD v4.1: 2 of 1,611,904 alleles (0.00012%); highest among the groups gnomAD compares: South Asian, 0.0022%; no homozygotes.

Submission:

Department of Pathology and Laboratory Medicine, Sinai Health System
Classification: Uncertain significance. Review status: no assertion criteria provided. Collection method: clinical testing. Allele origin: unknown. Affected: yes. Study: The Canadian Open Genetics Repository (COGR).
Comment: The PKHD1 p.S2136G variant was not identified in the literature nor was it identified in dbSNP, ClinVar or in the following control databases: the 1000 Genomes Project, the NHLBI GO Exome Sequencing Project, or the Genome Aggregation Database (March 6, 2019, v2.1.1). The p.S2136 residue is conserved in mammals and computational analyses (MUT Assesor, SIFT, MutationTaster, Revel, FATHMM, MetaLR, DANN) suggest that the variant may impact the protein; however this information is not predictive enough to assume pathogenicity. The variant occurs outside of the splicing consensus sequence and in silico or computational prediction software programs (Splice AI exome) do not predict a deleterious effect on splicing. In summary, based on the above information the clinical significance of this variant cannot be determined with certainty at this time. This variant is classified as a variant of uncertain significance.

NM_138694.4(PKHD1):c.6406A>G (p.Ser2136Gly)

Gene: PKHD1 (PKHD1 ciliary IPT domain containing fibrocystin/polyductin; minus strand). Cytogenetic location: 6p12.2.
Variant type: single nucleotide variant.
Coding change: c.6406A>G on transcript NM_138694.4 (MANE Select); coding-DNA position 6406, A replaced by G.
Protein change: p.Ser2136Gly; replaces serine 2136 with glycine.
Molecular consequence: missense variant.
Genome position (GRCh38, 1-based): chr6:51,911,883, T>C on the plus strand (A>G on the coding strand, the complement: PKHD1 is on the minus strand). VCF-style: chr6-51911883-T-C. GRCh37 (hg19) VCF-style: chr6-51776681-T-C.
Other names: c.6406A>G, p.Ser2136Gly (NM_170724.3); short protein forms S2136G.
Identifiers: ClinVar variation 1049614 (VCV001049614.1), dbSNP rs746902402, ClinGen allele CA364438576.